The following is an entry in ClinVar:

NM_018451.5(CPAP):c.313G>C (p.Gly105Arg)

Gene: CPAP (centrosome assembly and centriole elongation protein; minus strand). Cytogenetic location: 13q12.13.
Variant type: single nucleotide variant.
Coding change: c.313G>C on transcript NM_018451.5 (MANE Select); coding-DNA position 313, G replaced by C.
Protein change: p.Gly105Arg; replaces glycine 105 with arginine.
Molecular consequence: missense variant. On other transcripts: non-coding transcript variant (2).
Genome position (GRCh38, 1-based): chr13:24,912,713, C>G on the plus strand (G>C on the coding strand, the complement: CPAP is on the minus strand). VCF-style: chr13-24912713-C-G. GRCh37 (hg19) VCF-style: chr13-25486851-C-G.
Other names: short protein forms G105R.
Identifiers: ClinVar variation 1384198 (VCV001384198.6), dbSNP rs1954682708, ClinGen allele CA387591630.

ClinVar aggregate classification (germline): Uncertain significance (1 of 4 stars; one submission).

Allele frequency attached by ClinVar (database versions not stated): gnomAD exomes 0.00001.
gnomAD v4.1: 4 of 1,614,120 alleles (0.00025%); highest among the groups gnomAD compares: Non-Finnish European, 0.00034%; no homozygotes.

Submission:

Labcorp Genetics (formerly Invitae), Labcorp
Classification: Uncertain significance. Last evaluated: 2025-05-11. Review status: criteria provided, single submitter. Criteria: Invitae Variant Classification Sherloc (09022015). Collection method: clinical testing. Allele origin: germline.
Comment: This sequence change replaces glycine, which is neutral and non-polar, with arginine, which is basic and polar, at codon 105 of the CENPJ protein (p.Gly105Arg). This variant is not present in population databases (gnomAD no frequency). This variant has not been reported in the literature in individuals affected with CENPJ-related conditions. ClinVar contains an entry for this variant (Variation ID: 1384198). An algorithm developed to predict the effect of missense changes on protein structure and function (PolyPhen-2) suggests that this variant is likely to be tolerated. In summary, the available evidence is currently insufficient to determine the role of this variant in disease. Therefore, it has been classified as a Variant of Uncertain Significance.